The following is an entry in ClinVar:

NM_012123.4(MTO1):c.146C>T (p.Thr49Ile)

Gene: MTO1 (mitochondrial tRNA translation optimization 1; plus strand). Cytogenetic location: 6q13.
Variant type: single nucleotide variant.
Coding change: c.146C>T on transcript NM_012123.4 (MANE Select); coding-DNA position 146, C replaced by T.
Protein change: p.Thr49Ile; replaces threonine 49 with isoleucine.
Molecular consequence: missense variant.
Genome position (GRCh38, 1-based): chr6:73,462,000, C>T. VCF-style: chr6-73462000-C-T. GRCh37 (hg19) VCF-style: chr6-74171723-C-T.
Other names: c.146C>T (NM_001123226.1); c.146C>T, p.Thr49Ile (NM_001123226.2, NM_133645.3); short protein forms T49I.
Identifiers: ClinVar variation 1448605 (VCV001448605.9), dbSNP rs753822562, ClinGen allele CA3889231.

ClinVar aggregate classification (germline): Uncertain significance. Review status: criteria provided, multiple submitters, no conflicts (2 of 4 stars). 2 submissions from 2 submitters: Uncertain significance (2). Last evaluated 2022-06-22.

Conditions:
Inborn genetic diseases. Identifiers: MedGen C0950123, MeSH D030342.
Mitochondrial hypertrophic cardiomyopathy with lactic acidosis due to MTO1 deficiency. Also called: Combined oxidative phosphorylation deficiency 10; CARDIOMYOPATHY, INFANTILE HYPERTROPHIC MITOCHONDRIAL, AND LACTIC ACIDOSIS. Identifiers: Orphanet 314637, MedGen C4749921, MONDO:0013865, OMIM 614702.

Allele frequency attached by ClinVar (database versions not stated): ExAC 0.00003; gnomAD exomes 0.00001 and 0.00002.
gnomAD v4.1: 19 of 1,613,900 alleles (0.0012%); highest among the groups gnomAD compares: Non-Finnish European, 0.0016%; no homozygotes.

Submissions (2):

Labcorp Genetics (formerly Invitae), Labcorp
Classification: Uncertain significance for Mitochondrial hypertrophic cardiomyopathy with lactic acidosis due to MTO1 deficiency. Last evaluated: 2022-06-22. Review status: criteria provided, single submitter. Criteria: Invitae Variant Classification Sherloc (09022015). Collection method: clinical testing. Allele origin: germline.
Comment: This variant is present in population databases (rs753822562, gnomAD 0.004%). This sequence change replaces threonine, which is neutral and polar, with isoleucine, which is neutral and non-polar, at codon 49 of the MTO1 protein (p.Thr49Ile). This variant has not been reported in the literature in individuals affected with MTO1-related conditions. In summary, the available evidence is currently insufficient to determine the role of this variant in disease. Therefore, it has been classified as a Variant of Uncertain Significance. Algorithms developed to predict the effect of missense changes on protein structure and function are either unavailable or do not agree on the potential impact of this missense change (SIFT: "Tolerated"; PolyPhen-2: "Possibly Damaging"; Align-GVGD: "Class C0").

Ambry Genetics
Classification: Uncertain significance for Inborn genetic diseases. Last evaluated: 2021-08-12. Review status: criteria provided, single submitter. Criteria: Ambry Variant Classification Scheme 2023. Collection method: clinical testing. Allele origin: germline.